The following is an entry in ClinVar:

NM_001458.5(FLNC):c.3347C>T (p.Ser1116Leu)

Gene: FLNC (filamin C; plus strand). Cytogenetic location: 7q32.1.
Variant type: single nucleotide variant.
Coding change: c.3347C>T on transcript NM_001458.5 (MANE Select); coding-DNA position 3347, C replaced by T.
Protein change: p.Ser1116Leu; replaces serine 1116 with leucine.
Molecular consequence: missense variant.
Genome position (GRCh38, 1-based): chr7:128,844,812, C>T. VCF-style: chr7-128844812-C-T. GRCh37 (hg19) VCF-style: chr7-128484866-C-T.
Other names: c.3347C>T, p.Ser1116Leu (NM_001127487.2); short protein forms S1116L.
Identifiers: ClinVar variation 4998835 (VCV004998835.1).

ClinVar aggregate classification (germline): Uncertain significance (1 of 4 stars; one submission).

Conditions:
FLNC-related disorder. Also called: FLNC-related condition; FLNC-related disorders.

Submission:

PreventionGenetics, part of Exact Sciences
Classification: Uncertain significance for FLNC-related condition. Last evaluated: 2025-06-05. Review status: criteria provided, single submitter. Criteria: ACMG Guidelines, 2015. Collection method: clinical testing. Allele origin: germline.
Comment: The FLNC c.3347C>T variant is predicted to result in the amino acid substitution p.Ser1116Leu. To our knowledge, this variant has not been reported in the literature or in a large population database (gnomAD), indicating this variant is rare. At this time, the clinical significance of this variant is uncertain due to the absence of conclusive functional and genetic evidence.